The following is an entry in ClinVar:

NM_022455.5(NSD1):c.2474C>T (p.Ala825Val)

Gene: NSD1 (nuclear receptor binding SET domain protein 1; plus strand). Cytogenetic location: 5q35.3.
Variant type: single nucleotide variant.
Coding change: c.2474C>T on transcript NM_022455.5 (MANE Select); coding-DNA position 2474, C replaced by T.
Protein change: p.Ala825Val; replaces alanine 825 with valine.
Molecular consequence: missense variant.
Genome position (GRCh38, 1-based): chr5:177,210,873, C>T. VCF-style: chr5-177210873-C-T. GRCh37 (hg19) VCF-style: chr5-176637874-C-T.
Other names: c.2054C>T, p.Ala685Val (NM_001409304.1); c.1721C>T, p.Ala574Val (NM_001409305.1); c.1601C>T, p.Ala534Val (NM_001409306.1, NM_001409307.1, NM_001409308.1 and 3 more transcripts); c.2474C>T, p.Ala825Val (NM_001409301.1, NM_001409302.1, NM_001409303.1); short protein forms A574V, A825V, A534V, A685V.
Identifiers: ClinVar variation 3668895 (VCV003668895.4).
Genomic context (GRCh38, chr5:177,210,873, plus strand): 5'-TTATAAATGAGGAGTGCAGTTTGAAATGCTGCTCTTCTGATACCAAAGGCTCTCCTTTGG[C>T]CAGCATTTCTAAAAGTGGGAAAGTGGATGGTCTAAAACTACTGAACAATATGCATGAGAA-3'
Protein context (NP_071900.2, residues 815-835): CSSDTKGSPL[Ala825Val]SISKSGKVDG

ClinVar aggregate classification (germline): Conflicting classifications of pathogenicity. Review status: criteria provided, conflicting classifications (1 of 4 stars). 2 submissions from 2 submitters: Uncertain significance (1); Likely benign (1). Last evaluated 2026-04-16.

gnomAD v4.1: 4 of 1,614,134 alleles (0.00025%); highest among the groups gnomAD compares: Admixed American, 0.0017%; no homozygotes.

Submissions (2):

Dasa
Classification: Uncertain significance. Last evaluated: 2026-04-16. Review status: criteria provided, single submitter. Criteria: DASA Assertion Criteria. Collection method: clinical testing. Allele origin: germline.
Comment: NM_022455.5(NSD1):c.2474C>T (p.Ala825Val) is a missense variant that results in the substitution of alanine with valine. This variant is rare in population databases. The currently available literature and clinical evidence are not sufficient to establish a definitive association between this variant and the reported condition. Therefore, this variant is classified as a variant of uncertain significance.

Labcorp Genetics (formerly Invitae), Labcorp
Classification: Likely benign. Last evaluated: 2025-08-30. Review status: criteria provided, single submitter. Criteria: Invitae Variant Classification Sherloc (09022015). Collection method: clinical testing. Allele origin: germline.